The following is an entry in ClinVar:

ClinVar aggregate classification (germline): Conflicting classifications of pathogenicity. Review status: criteria provided, conflicting classifications (1 of 4 stars). 5 submissions from 5 submitters: Uncertain significance (4); Likely benign (1). Last evaluated 2026-07-20.

Conditions:
TTN-related disorder. Also called: TTN-related condition; TTN-related disease; TTN-related disorders.
Autosomal recessive limb-girdle muscular dystrophy type 2J (LGMDR10). Also called: MUSCULAR DYSTROPHY, LIMB-GIRDLE, AUTOSOMAL RECESSIVE 10; Limb-girdle muscular dystrophy, type 2J. Identifiers: Orphanet 140922, MedGen C1837342, MONDO:0012127, OMIM 608807.
Dilated cardiomyopathy 1G (CMD1G). Identifiers: Orphanet 154, MedGen C1858763, MONDO:0011400, OMIM 604145.
Hypertrophic cardiomyopathy 9. Also called: Familial hypertrophic cardiomyopathy 9. Identifiers: MedGen C1861065, MONDO:0013412, OMIM 613765.
Early-onset myopathy with fatal cardiomyopathy (CMYO5). Also called: CONGENITAL MYOPATHY 5 WITH CARDIOMYOPATHY; Salih Myopathy. Identifiers: Orphanet 289377, MedGen C2673677, MONDO:0012714, OMIM 611705. Disease mechanism: loss of function.
Myopathy, myofibrillar, 9, with early respiratory failure (MFM9). Also called: Myopathy, distal, with early respiratory failure, autosomal dominant; EDSTROM MYOPATHY; MYOPATHY, PROXIMAL, WITH EARLY RESPIRATORY MUSCLE INVOLVEMENT; Hereditary myopathy with early respiratory failure. Identifiers: Orphanet 178464, Orphanet 34521, MedGen C1863599, MONDO:0011362, OMIM 603689.
Tibial muscular dystrophy (TMD). Also called: Tibial muscular dystrophy, tardive; UDD MYOPATHY; Udd Distal Myopathy – Tibial Muscular Dystrophy. Identifiers: Orphanet 609, MedGen C1838244, MONDO:0010870, OMIM 600334.

Allele frequency attached by ClinVar (database versions not stated): 1000 Genomes Project 30x 0.00016; 1000 Genomes Project 0.00040; gnomAD 0.00040; gnomAD exomes 0.00006.
gnomAD v4.1: 122 of 1,168,778 alleles (0.01%); highest among the groups gnomAD compares: Middle Eastern, 0.17%; 1 homozygote.

Submissions (5):

PreventionGenetics, part of Exact Sciences
Classification: Uncertain significance for TTN-related condition. Last evaluated: 2026-07-20. Review status: criteria provided, single submitter. Criteria: ACMG Guidelines, 2015. Collection method: clinical testing. Allele origin: germline.
Comment: The TTN c.34294C>T variant is predicted to result in the amino acid substitution p.Pro11432Ser. To our knowledge, this variant has not been reported in the literature. This variant is reported in 0.065% of alleles in individuals of African descent in gnomAD. Although we suspect that this variant may be benign, at this time, the clinical significance of this variant is uncertain due to the absence of conclusive functional and genetic evidence.

Molecular Diagnostic Laboratory for Inherited Cardiovascular Disease, Montreal Heart Institute
Classification: Likely benign. Last evaluated: 2025-04-09. Review status: criteria provided, single submitter. Criteria: ACMG Guidelines, 2015. Collection method: clinical testing. Allele origin: germline. Affected: no.

Fulgent Genetics
Classification: Uncertain significance for Tibial muscular dystrophy; Myopathy, myofibrillar, 9, with early respiratory failure; Dilated cardiomyopathy 1G; Autosomal recessive limb-girdle muscular dystrophy type 2J; Early-onset myopathy with fatal cardiomyopathy; Hypertrophic cardiomyopathy 9. Last evaluated: 2021-10-01. Review status: criteria provided, single submitter. Criteria: ACMG Guidelines, 2015. Collection method: clinical testing. Allele origin: unknown.

Athena Diagnostics
Classification: Uncertain significance. Last evaluated: 2018-03-23. Review status: criteria provided, single submitter. Criteria: Athena Diagnostics Criteria. Collection method: clinical testing. Allele origin: germline.

Labcorp Genetics (formerly Invitae), Labcorp
Classification: Uncertain significance for Dilated cardiomyopathy 1G; Autosomal recessive limb-girdle muscular dystrophy type 2J. Last evaluated: 2017-05-16. Review status: criteria provided, single submitter. Criteria: Invitae Variant Classification Sherloc (09022015). Collection method: clinical testing. Allele origin: germline.

NM_001267550.2(TTN):c.34294C>T (p.Pro11432Ser)

Gene: TTN (titin; minus strand). Cytogenetic location: 2q31.2.
Variant type: single nucleotide variant.
Coding change: c.34294C>T on transcript NM_001267550.2 (MANE Select); coding-DNA position 34294, C replaced by T.
Protein change: p.Pro11432Ser; replaces proline 11432 with serine.
Molecular consequence: missense variant. On other transcripts: intron variant (5).
Genome position (GRCh38, 1-based): chr2:178,677,285, G>A on the plus strand (C>T on the coding strand, the complement: TTN is on the minus strand). VCF-style: chr2-178677285-G-A. GRCh37 (hg19) VCF-style: chr2-179542012-G-A.
Other names: c.13283-34968C>T (NM_003319.4); c.13859-34968C>T (NM_133437.4); c.13658-34968C>T (NM_133432.3); c.30559+336C>T (NM_133378.4); c.33340+336C>T (NM_001256850.1); c.34294C>T (LRG_391t1); short protein forms P11432S.
Identifiers: ClinVar variation 238747 (VCV000238747.7), dbSNP rs534339525, ClinGen allele CA10581880.